The following is an entry in ClinVar:

NM_001287.6(CLCN7):c.25T>C (p.Ser9Pro)

Genes: CLCN7 (chloride voltage-gated channel 7; minus strand), LOC130058166 (ATAC-STARR-seq lymphoblastoid silent region 6986; plus strand). Cytogenetic location: 16p13.3.
Variant type: single nucleotide variant.
Coding change: c.25T>C on transcript NM_001287.6 (MANE Select); coding-DNA position 25, T replaced by C.
Protein change: p.Ser9Pro; replaces serine 9 with proline.
Molecular consequence: missense variant.
Genome position (GRCh38, 1-based): chr16:1,474,950, A>G on the plus strand (T>C on the coding strand, the complement: CLCN7 is on the minus strand). VCF-style: chr16-1474950-A-G. GRCh37 (hg19) VCF-style: chr16-1524951-A-G.
Other names: c.25T>C, p.Ser9Pro (NM_001114331.3); short protein forms S9P.
Identifiers: ClinVar variation 3687102 (VCV003687102.2).
Genomic context (GRCh38, chr16:1,474,950, plus strand): 5'-GCGCCGTCCTCCGCAGCAGCGGCGCCGCCTCCTCGTCGTCCCGGTCCCGGCCGGACCAGG[A>G]CACCTTCTTAGAGACGTTGGCCATGGCCCGCCGCGGAGCGACACCGGCCGGGAAGCGCCG-3'
Protein context (NP_001278.1, residues 1-19): MANVSKKV[Ser9Pro]WSGRDRDDEE

ClinVar aggregate classification (germline): Uncertain significance (1 of 4 stars; one submission).

Submission:

Labcorp Genetics (formerly Invitae), Labcorp
Classification: Uncertain significance. Last evaluated: 2024-08-06. Review status: criteria provided, single submitter. Criteria: Invitae Variant Classification Sherloc (09022015). Collection method: clinical testing. Allele origin: germline.
Comment: This sequence change replaces serine, which is neutral and polar, with proline, which is neutral and non-polar, at codon 9 of the CLCN7 protein (p.Ser9Pro). This variant is not present in population databases (gnomAD no frequency). This variant has not been reported in the literature in individuals affected with CLCN7-related conditions. An algorithm developed to predict the effect of missense changes on protein structure and function (PolyPhen-2) suggests that this variant is likely to be disruptive. In summary, the available evidence is currently insufficient to determine the role of this variant in disease. Therefore, it has been classified as a Variant of Uncertain Significance.